The following is an entry in ClinVar:

ClinVar aggregate classification (germline): Uncertain significance. Review status: criteria provided, single submitter (1 of 4 stars). 2 submissions from 2 submitters: Uncertain significance (1). 1 of the submissions does not count toward it. Last evaluated 2021-12-07.

Conditions:
Familial hypobetalipoproteinemia 1. Also called: Hypobetalipoproteinemia, normotriglyceridemic; Acanthocytosis with hypobetalipoproteinemia; APOB-Related Familial Hypobetalipoproteinemia. Identifiers: MedGen C4551990, MONDO:0014252, OMIM 615558.
Hypercholesterolemia, autosomal dominant, type B (FHCL2). Also called: Familial hypercholesterolemia 2; APOB-Related Familial Hypercholesterolemia, Autosomal Dominant; Familial Hypercholesterolemia Type B; APOLIPOPROTEIN B-100, FAMILIAL DEFECTIVE; APOLIPOPROTEIN B-100, FAMILIAL LIGAND-DEFECTIVE; HYPERCHOLESTEROLEMIA, FAMILIAL, DUE TO LIGAND-DEFECTIVE APOLIPOPROTEIN B. Identifiers: MedGen C1704417, MONDO:0007751, OMIM 144010.

Allele frequency attached by ClinVar (database versions not stated): gnomAD exomes below 0.00001.
gnomAD v4.1: 1 of 1,614,020 alleles (0.000062%); highest among the groups gnomAD compares: Non-Finnish European, 0.000085%; no homozygotes.

Submissions (2):

Fulgent Genetics
Classification: Uncertain significance for Hypercholesterolemia, autosomal dominant, type B; Familial hypobetalipoproteinemia 1. Last evaluated: 2021-12-07. Review status: criteria provided, single submitter. Criteria: ACMG Guidelines, 2015. Collection method: clinical testing. Allele origin: unknown.

Department of Pathology and Laboratory Medicine, Sinai Health System
Classification: Uncertain significance. Review status: no assertion criteria provided. Collection method: clinical testing. Allele origin: unknown. Affected: yes. Study: The Canadian Open Genetics Repository (COGR). Not counted in ClinVar's aggregate classification.
Comment: The APOB p.Ala2932Thr variant was not identified in the literature nor was it identified in dbSNP, ClinVar or in the following control databases: the 1000 Genomes Project, the NHLBI GO Exome Sequencing Project, or the Genome Aggregation Database (March 6, 2019, v2.1.1). The p.Ala2932 residue is conserved in mammals and computational analyses (PolyPhen-2, SIFT, AlignGVGD, BLOSUM, MutationTaster) provide inconsistent predictions regarding the impact to the protein; this information is not very predictive of pathogenicity. The variant occurs outside of the splicing consensus sequence and in silico or computational prediction software programs (SpliceSiteFinder, MaxEntScan, NNSPLICE, GeneSplicer) do not predict a difference in splicing. In summary, based on the above information the clinical significance of this variant cannot be determined with certainty at this time. This variant is classified as a variant of uncertain significance.

NM_000384.3(APOB):c.8794G>A (p.Ala2932Thr)

Gene: APOB (apolipoprotein B; minus strand). Cytogenetic location: 2p24.1.
Variant type: single nucleotide variant.
Coding change: c.8794G>A on transcript NM_000384.3 (MANE Select); coding-DNA position 8794, G replaced by A.
Protein change: p.Ala2932Thr; replaces alanine 2932 with threonine.
Molecular consequence: missense variant.
Genome position (GRCh38, 1-based): chr2:21,008,074, C>T on the plus strand (G>A on the coding strand, the complement: APOB is on the minus strand). VCF-style: chr2-21008074-C-T. GRCh37 (hg19) VCF-style: chr2-21230946-C-T.
Other names: short protein forms A2932T.
Identifiers: ClinVar variation 1048855 (VCV001048855.2), dbSNP rs2103353864, ClinGen allele CA345993352.
Genomic context (GRCh38, chr2:21,008,074, plus strand): 5'-CTTCTATGGTGAAACTAATTTGTGATTCATGTGTTCCCTCATCTGAGAATCTGGGGCAGG[C>T]CCATTTCCATGACCCTTTTCCAGAAGAAGTCCATGCTATGTGGCCAGCTTTCAACAGTGT-3'
Protein context (NP_000375.3, residues 2922-2942): TSSGKGSWKW[Ala2932Thr]CPRFSDEGTH